The following is an entry in ClinVar:

NM_001287.6(CLCN7):c.102G>A (p.Thr34=)

Genes: CLCN7 (chloride voltage-gated channel 7; minus strand), LOC130058166 (ATAC-STARR-seq lymphoblastoid silent region 6986; plus strand). Cytogenetic location: 16p13.3.
Variant type: single nucleotide variant.
Coding change: c.102G>A on transcript NM_001287.6 (MANE Select); coding-DNA position 102, G replaced by A.
Protein change: p.Thr34=; no amino-acid change (threonine 34 retained).
Molecular consequence: synonymous variant.
Genome position (GRCh38, 1-based): chr16:1,474,873, C>T on the plus strand (G>A on the coding strand, the complement: CLCN7 is on the minus strand). VCF-style: chr16-1474873-C-T. GRCh37 (hg19) VCF-style: chr16-1524874-C-T.
Other names: c.102G>A, p.Thr34= (NM_001114331.3).
Identifiers: ClinVar variation 3031032 (VCV003031032.2), dbSNP rs1451196715, ClinGen allele CA492917073.

ClinVar aggregate classification (germline): Likely benign (0 of 4 stars; one submission).

Conditions:
CLCN7-related disorder. Also called: CLCN7-related condition.

Submission:

PreventionGenetics, part of Exact Sciences
Classification: Likely benign for CLCN7-related condition. Last evaluated: 2020-12-07. Review status: no assertion criteria provided. Collection method: clinical testing. Allele origin: germline.
Comment: This variant is classified as likely benign based on ACMG/AMP sequence variant interpretation guidelines (Richards et al. 2015 PMID: 25741868, with internal and published modifications).